The following is an entry in ClinVar:

ClinVar aggregate classification (germline): Conflicting classifications of pathogenicity. Review status: criteria provided, conflicting classifications (1 of 4 stars). 2 submissions from 2 submitters: Uncertain significance (1); Likely benign (1). Last evaluated 2025-12-16.

Conditions:
Familial thoracic aortic aneurysm and aortic dissection (TAAD). Also called: Thoracic aortic aneurysms and dissections. Identifiers: Orphanet 91387, MedGen C4707243, MONDO:0019625.
Congenital contractural arachnodactyly (CCA). Also called: BEALS SYNDROME; Arthrogryposis, distal, type 9; Beals-Hecht syndrome. Identifiers: Orphanet 115, MedGen C0220668, MONDO:0007363, OMIM 121050.

Allele frequency attached by ClinVar (database versions not stated): gnomAD exomes below 0.00001; gnomAD 0.00005; TOPMed 0.00005; ESP Exome Variant Server 0.00008.

Submissions (2):

Ambry Genetics
Classification: Uncertain significance for Familial thoracic aortic aneurysm and aortic dissection. Last evaluated: 2025-12-16. Review status: criteria provided, single submitter. Criteria: Ambry Variant Classification Scheme 2023. Collection method: clinical testing. Allele origin: germline.
Comment: The p.M1083I variant (also known as c.3249G>T), located in coding exon 25 of the FBN2 gene, results from a G to T substitution at nucleotide position 3249. The methionine at codon 1083 is replaced by isoleucine, an amino acid with highly similar properties. This amino acid position is conserved. In addition, this alteration is predicted to be tolerated by in silico analysis. Based on the available evidence, the clinical significance of this variant remains unclear.

Labcorp Genetics (formerly Invitae), Labcorp
Classification: Likely benign for Congenital contractural arachnodactyly. Last evaluated: 2025-03-26. Review status: criteria provided, single submitter. Criteria: Invitae Variant Classification Sherloc (09022015). Collection method: clinical testing. Allele origin: germline.

NM_001999.4(FBN2):c.3249G>T (p.Met1083Ile)

Gene: FBN2 (fibrillin 2; minus strand). Cytogenetic location: 5q23.3.
Variant type: single nucleotide variant.
Coding change: c.3249G>T on transcript NM_001999.4 (MANE Select); coding-DNA position 3249, G replaced by T.
Protein change: p.Met1083Ile; replaces methionine 1083 with isoleucine.
Molecular consequence: missense variant.
Genome position (GRCh38, 1-based): chr5:128,344,479, C>A on the plus strand (G>T on the coding strand, the complement: FBN2 is on the minus strand). VCF-style: chr5-128344479-C-A. GRCh37 (hg19) VCF-style: chr5-127680171-C-A.
Other names: short protein forms M1083I.
Identifiers: ClinVar variation 528413 (VCV000528413.10), dbSNP rs146143173, ClinGen allele CA127018257.